The following is an entry in ClinVar:

NM_000548.5(TSC2):c.1205G>A (p.Gly402Glu)

Gene: TSC2 (TSC complex subunit 2; plus strand). Cytogenetic location: 16p13.3.
Variant type: single nucleotide variant.
Coding change: c.1205G>A on transcript NM_000548.5 (MANE Select); coding-DNA position 1205, G replaced by A.
Protein change: p.Gly402Glu; replaces glycine 402 with glutamic acid.
Molecular consequence: missense variant.
Genome position (GRCh38, 1-based): chr16:2,061,956, G>A. VCF-style: chr16-2061956-G-A. GRCh37 (hg19) VCF-style: chr16-2111957-G-A.
Other names: c.1205G>A, p.Gly402Glu (NM_001077183.3, NM_001114382.3, NM_001363528.2 and 3 more transcripts); c.1094G>A, p.Gly365Glu (NM_001318827.2); c.1058G>A, p.Gly353Glu (NM_001318829.2); c.605G>A, p.Gly202Glu (NM_001318831.2); c.1238G>A, p.Gly413Glu (NM_001318832.2); short protein forms G353E, G365E, G402E, G413E, G202E.
Identifiers: ClinVar variation 818583 (VCV000818583.9), dbSNP rs777172185, ClinGen allele CA028785.

ClinVar aggregate classification (germline): Conflicting classifications of pathogenicity. Review status: criteria provided, conflicting classifications (1 of 4 stars). 5 submissions from 5 submitters: Uncertain significance (4); Benign (1). Last evaluated 2025-07-20.

Conditions:
Hereditary cancer-predisposing syndrome. Also called: Hereditary Cancer Syndrome; Neoplastic Syndromes, Hereditary; Hereditary neoplastic syndrome; Tumor predisposition. Identifiers: Orphanet 140162, MedGen C0027672, MeSH D009386, MONDO:0015356.
Isolated focal cortical dysplasia type II (FCORD2). Also called: Focal cortical dysplasia type II; CORTICAL DYSPLASIA OF TAYLOR. Identifiers: Orphanet 268994, MedGen C1846385, MONDO:0011818, OMIM 607341, HP:0032051.
Tuberous sclerosis syndrome (TSC). Also called: Tuberous Sclerosis Complex; Tuberous sclerosis. Identifiers: Orphanet 805, MedGen C0041341, MONDO:0001734.
Tuberous sclerosis 2 (TSC2). Identifiers: Orphanet 805, MedGen C1860707, MONDO:0013199, OMIM 613254.

Allele frequency attached by ClinVar (database versions not stated): ExAC 0.00001; gnomAD exomes below 0.00001.
gnomAD v4.1: 7 of 1,614,204 alleles (0.00043%); highest among the groups gnomAD compares: African/African-American, 0.0013%; no homozygotes.

Submissions (5):

Color Diagnostics, LLC DBA Color Health
Classification: Uncertain significance for Tuberous sclerosis syndrome. Last evaluated: 2025-07-20. Review status: criteria provided, single submitter. Criteria: ACMG Guidelines, 2015. Collection method: clinical testing. Allele origin: germline.
Comment: This missense variant replaces glycine with glutamic acid at codon 402 of the TSC2 protein. Computational prediction is inconclusive regarding the impact of this variant on protein structure and function. To our knowledge, functional studies have not been reported for this variant. This variant has not been reported in individuals affected with TSC2-related disorders in the literature. This variant has been identified in 1/251108 chromosomes in the general population by the Genome Aggregation Database (gnomAD). The available evidence is insufficient to determine the role of this variant in disease conclusively. Therefore, this variant is classified as a Variant of Uncertain Significance.

Labcorp Genetics (formerly Invitae), Labcorp
Classification: Benign for Tuberous sclerosis 2. Last evaluated: 2024-11-20. Review status: criteria provided, single submitter. Criteria: Invitae Variant Classification Sherloc (09022015). Collection method: clinical testing. Allele origin: germline.

Molecular Pathology, Peter Maccallum Cancer Centre
Classification: Uncertain significance for Tuberous sclerosis 2. Last evaluated: 2024-06-17. Review status: criteria provided, single submitter. Criteria: ACMG Guidelines, 2015. Collection method: clinical testing. Allele origin: germline. Inheritance: Autosomal dominant inheritance.

Baylor Genetics
Classification: Uncertain significance for Isolated focal cortical dysplasia type II. Last evaluated: 2024-03-22. Review status: criteria provided, single submitter. Criteria: ACMG Guidelines, 2015. Collection method: clinical testing. Allele origin: unknown.

Ambry Genetics
Classification: Uncertain significance for Hereditary cancer-predisposing syndrome. Last evaluated: 2019-12-16. Review status: criteria provided, single submitter. Criteria: Ambry Variant Classification Scheme 2023. Collection method: clinical testing. Allele origin: germline.
Comment: The p.G402E variant (also known as c.1205G>A), located in coding exon 11 of the TSC2 gene, results from a G to A substitution at nucleotide position 1205. The glycine at codon 402 is replaced by glutamic acid, an amino acid with similar properties. This amino acid position is highly conserved in available vertebrate species. In addition, this alteration is predicted to be deleterious by in silico analysis. Since supporting evidence is limited at this time, the clinical significance of this alteration remains unclear.